The following is an entry in ClinVar:

ClinVar aggregate classification (germline): Uncertain significance. Review status: criteria provided, single submitter (1 of 4 stars). 2 submissions from 2 submitters: Uncertain significance (1). 1 of the submissions does not count toward it. Last evaluated 2024-09-19.

Conditions:
FOCAD-related disorder. Also called: FOCAD-related condition.

Allele frequency attached by ClinVar (database versions not stated): ExAC 0.00003; gnomAD 0.00007; TOPMed 0.00008.
gnomAD v4.1: 78 of 1,613,648 alleles (0.0048%); highest among the groups gnomAD compares: Admixed American, 0.012%; no homozygotes.

Submissions (2):

Labcorp Genetics (formerly Invitae), Labcorp
Classification: Uncertain significance. Last evaluated: 2024-09-19. Review status: criteria provided, single submitter. Criteria: Invitae Variant Classification Sherloc (09022015). Collection method: clinical testing. Allele origin: germline.
Comment: This sequence change affects codon 1143 of the FOCAD mRNA. It is a 'silent' change, meaning that it does not change the encoded amino acid sequence of the FOCAD protein. This variant is present in population databases (rs769694000, gnomAD 0.01%). This variant has not been reported in the literature in individuals affected with FOCAD-related conditions. Experimental studies and prediction algorithms are not available or were not evaluated, and the functional significance of this variant is currently unknown. In summary, the available evidence is currently insufficient to determine the role of this variant in disease. Therefore, it has been classified as a Variant of Uncertain Significance.

PreventionGenetics, part of Exact Sciences
Classification: Likely benign for FOCAD-related condition. Last evaluated: 2022-11-03. Review status: no assertion criteria provided. Collection method: clinical testing. Allele origin: germline. Not counted in ClinVar's aggregate classification.
Comment: This variant is classified as likely benign based on ACMG/AMP sequence variant interpretation guidelines (Richards et al. 2015 PMID: 25741868, with internal and published modifications).

NM_001375567.1(FOCAD):c.3429T>G (p.Val1143=)

Gene: FOCAD (focadhesin; plus strand). Cytogenetic location: 9p21.3.
Variant type: single nucleotide variant.
Coding change: c.3429T>G on transcript NM_001375567.1 (MANE Select); coding-DNA position 3429, T replaced by G.
Protein change: p.Val1143=; no amino-acid change (valine 1143 retained).
Molecular consequence: synonymous variant.
Genome position (GRCh38, 1-based): chr9:20,944,648, T>G. VCF-style: chr9-20944648-T-G. GRCh37 (hg19) VCF-style: chr9-20944647-T-G.
Other names: c.3324T>G, p.Val1108= (NM_001375568.1, NM_001375570.1); c.3429T>G, p.Val1143= (NM_017794.5).
Identifiers: ClinVar variation 3040124 (VCV003040124.4), dbSNP rs769694000, ClinGen allele CA5007552.